The following is an entry in ClinVar:

NM_014795.4(ZEB2):c.1541del (p.Pro514fs)

Gene: ZEB2 (zinc finger E-box binding homeobox 2; minus strand). Cytogenetic location: 2q22.3.
Variant type: Deletion.
Coding change: c.1541del on transcript NM_014795.4 (MANE Select); coding-DNA position 1541, one base deleted (C; older notation c.1541delC).
Protein change: p.Pro514fs; shifts the reading frame from proline 514.
Molecular consequence: frameshift variant.
Genome position (GRCh38, 1-based): chr2:144,399,646, G deleted on the plus strand (C on the coding strand, the reverse complement: ZEB2 is on the minus strand); the first of 2 consecutive G bases (chr2:144,399,646-144,399,647); deleting either gives the same sequence. VCF-style (leftmost placement, unchanged base first): chr2-144399645-CG-C. GRCh37 (hg19) VCF-style: chr2-145157212-CG-C.
Other names: c.1469del, p.Pro490fs (NM_001171653.2); short protein forms P490fs, P514fs.
Identifiers: ClinVar variation 3340765 (VCV003340765.2).

ClinVar aggregate classification (germline): Pathogenic. Review status: criteria provided, multiple submitters, no conflicts (2 of 4 stars). 2 submissions from 2 submitters: Pathogenic (2). Last evaluated 2025-02-16.

Submissions (2):

Laboratory of Genetics, Children's Clinical University Hospital Latvia
Classification: Pathogenic. Last evaluated: 2025-02-16. Review status: criteria provided, single submitter. Criteria: ACMG Guidelines, 2015. Collection method: clinical testing. Allele origin: germline. Affected: yes.

GeneDx
Classification: Pathogenic. Last evaluated: 2023-11-10. Review status: criteria provided, single submitter. Criteria: GeneDx Variant Classification Process June 2021. Collection method: clinical testing. Allele origin: germline. Affected: yes.
Comment: Has been reported in a patient with Mowat-WIlson syndrome with no brain MRI findings, however additional patient specific details were not provided in this study (PMID: 27831545); Not observed at significant frequency in large population cohorts (gnomAD); Frameshift variant predicted to result in protein truncation or nonsense mediated decay in a gene for which loss of function is a known mechanism of disease; This variant is associated with the following publications: (PMID: 27831545)